The following is an entry in ClinVar:

NM_033026.6(PCLO):c.1804C>G (p.Pro602Ala)

Gene: PCLO (piccolo presynaptic cytomatrix protein; minus strand). Cytogenetic location: 7q21.11.
Variant type: single nucleotide variant.
Coding change: c.1804C>G on transcript NM_033026.6 (MANE Select); coding-DNA position 1804, C replaced by G.
Protein change: p.Pro602Ala; replaces proline 602 with alanine.
Molecular consequence: missense variant.
Genome position (GRCh38, 1-based): chr7:83,154,837, G>C on the plus strand (C>G on the coding strand, the complement: PCLO is on the minus strand). VCF-style: chr7-83154837-G-C. GRCh37 (hg19) VCF-style: chr7-82784153-G-C.
Other names: c.1804C>G, p.Pro602Ala (NM_014510.3); short protein forms P602A.
Identifiers: ClinVar variation 2003007 (VCV002003007.4), dbSNP rs1404004609, ClinGen allele CA367912408.

ClinVar aggregate classification (germline): Uncertain significance (1 of 4 stars; one submission).

Submission:

Labcorp Genetics (formerly Invitae), Labcorp
Classification: Uncertain significance. Last evaluated: 2022-09-13. Review status: criteria provided, single submitter. Criteria: Invitae Variant Classification Sherloc (09022015). Collection method: clinical testing. Allele origin: germline.
Comment: In summary, the available evidence is currently insufficient to determine the role of this variant in disease. Therefore, it has been classified as a Variant of Uncertain Significance. Algorithms developed to predict the effect of missense changes on protein structure and function are either unavailable or do not agree on the potential impact of this missense change (SIFT: "Tolerated"; PolyPhen-2: "Not Available"; Align-GVGD: "Class C0"). This variant has not been reported in the literature in individuals affected with PCLO-related conditions. This variant is not present in population databases (gnomAD no frequency). This sequence change replaces proline, which is neutral and non-polar, with alanine, which is neutral and non-polar, at codon 602 of the PCLO protein (p.Pro602Ala).